The following is an entry in ClinVar:

NM_012414.4(RAB3GAP2):c.2269C>T (p.His757Tyr)

Gene: RAB3GAP2 (RAB3 GTPase activating non-catalytic protein subunit 2; minus strand). Cytogenetic location: 1q41.
Variant type: single nucleotide variant.
Coding change: c.2269C>T on transcript NM_012414.4 (MANE Select); coding-DNA position 2269, C replaced by T.
Protein change: p.His757Tyr; replaces histidine 757 with tyrosine.
Molecular consequence: missense variant.
Genome position (GRCh38, 1-based): chr1:220,182,298, G>A on the plus strand (C>T on the coding strand, the complement: RAB3GAP2 is on the minus strand). VCF-style: chr1-220182298-G-A. GRCh37 (hg19) VCF-style: chr1-220355640-G-A.
Other names: short protein forms H757Y.
Identifiers: ClinVar variation 436478 (VCV000436478.13), dbSNP rs1553275637, ClinGen allele CA344641609.

ClinVar aggregate classification (germline): Uncertain significance. Review status: criteria provided, multiple submitters, no conflicts (2 of 4 stars). 2 submissions from 2 submitters: Uncertain significance (2). Last evaluated 2020-12-20.

Conditions:
Martsolf syndrome (MARTS). Also called: Congenital cataract with intellectual disability and hypogonadotropic hypogonadism syndrome. Identifiers: Orphanet 1387, MedGen C0796037, MONDO:0023910.
Warburg micro syndrome 2 (WARBM2). Also called: MICRO SYNDROME 2. Identifiers: Orphanet 2510, MedGen C3280214, MONDO:0013641, OMIM 614225.

Submissions (2):

Labcorp Genetics (formerly Invitae), Labcorp
Classification: Uncertain significance for Martsolf syndrome; Warburg micro syndrome 2. Last evaluated: 2020-12-20. Review status: criteria provided, single submitter. Criteria: Invitae Variant Classification Sherloc (09022015). Collection method: clinical testing. Allele origin: germline.
Comment: In summary, the available evidence is currently insufficient to determine the role of this variant in disease. Therefore, it has been classified as a Variant of Uncertain Significance. Algorithms developed to predict the effect of missense changes on protein structure and function (SIFT, PolyPhen-2, Align-GVGD) all suggest that this variant is likely to be tolerated, but these predictions have not been confirmed by published functional studies and their clinical significance is uncertain. This variant has not been reported in the literature in individuals with RAB3GAP2-related conditions. ClinVar contains an entry for this variant (Variation ID: 436478). This variant is not present in population databases (ExAC no frequency). This sequence change replaces histidine with tyrosine at codon 757 of the RAB3GAP2 protein (p.His757Tyr). The histidine residue is weakly conserved and there is a moderate physicochemical difference between histidine and tyrosine.

Genetic Services Laboratory, University of Chicago
Classification: Uncertain significance. Last evaluated: 2016-01-07. Review status: criteria provided, single submitter. Criteria: ACMG Guidelines, 2015. Collection method: clinical testing. Allele origin: germline. Affected: no.